The following is an entry in ClinVar:

ClinVar aggregate classification (germline): Uncertain significance (1 of 4 stars; one submission).

Conditions:
Episodic ataxia type 1 (EA1). Also called: Episodic ataxia/myokymia syndrome; ATAXIA, EPISODIC, WITH MYOKYMIA; MYOKYMIA WITH PERIODIC ATAXIA; PAROXYSMAL ATAXIA WITH NEUROMYOTONIA, HEREDITARY. Identifiers: Orphanet 37612, Orphanet 972, MedGen C1719788, MONDO:0008047, OMIM 160120.

Submission:

Labcorp Genetics (formerly Invitae), Labcorp
Classification: Uncertain significance for Episodic ataxia type 1. Last evaluated: 2021-11-16. Review status: criteria provided, single submitter. Criteria: Invitae Variant Classification Sherloc (09022015). Collection method: clinical testing. Allele origin: germline.
Comment: Algorithms developed to predict the effect of missense changes on protein structure and function are either unavailable or do not agree on the potential impact of this missense change (SIFT: "Deleterious"; PolyPhen-2: "Benign"; Align-GVGD: "Class C15"). This variant has not been reported in the literature in individuals affected with KCNA1-related conditions. This variant is not present in population databases (gnomAD no frequency). This sequence change replaces serine, which is neutral and polar, with phenylalanine, which is neutral and non-polar, at codon 5 of the KCNA1 protein (p.Ser5Phe). In summary, the available evidence is currently insufficient to determine the role of this variant in disease. Therefore, it has been classified as a Variant of Uncertain Significance.

NM_000217.3(KCNA1):c.14C>T (p.Ser5Phe)

Genes: KCNA1 (potassium voltage-gated channel subfamily A member 1; plus strand), LOC130007218 (ATAC-STARR-seq lymphoblastoid silent region 4155; plus strand). Cytogenetic location: 12p13.32.
Variant type: single nucleotide variant.
Coding change: c.14C>T on transcript NM_000217.3 (MANE Select); coding-DNA position 14, C replaced by T.
Protein change: p.Ser5Phe; replaces serine 5 with phenylalanine.
Molecular consequence: missense variant.
Genome position (GRCh38, 1-based): chr12:4,911,392, C>T. VCF-style: chr12-4911392-C-T. GRCh37 (hg19) VCF-style: chr12-5020558-C-T.
Other names: short protein forms S5F.
Identifiers: ClinVar variation 1474077 (VCV001474077.6), dbSNP rs1947350227, ClinGen allele CA383453614.
Genomic context (GRCh38, chr12:4,911,392, plus strand): 5'-ACCCCGGGCTCTCTCCTGGCCTCCCACCCCCGCGCCCGGCTTCCACCATGACGGTGATGT[C>T]TGGGGAGAACGTGGACGAGGCTTCGGCCGCCCCGGGCCACCCCCAGGATGGCAGCTACCC-3'
Protein context (NP_000208.2, residues 1-15): MTVM[Ser5Phe]GENVDEASAA